The following is an entry in ClinVar:

ClinVar aggregate classification (germline): Uncertain significance (1 of 4 stars; one submission).

Conditions:
Inborn genetic diseases. Identifiers: MedGen C0950123, MeSH D030342.

gnomAD v4.1: 2 of 1,584,520 alleles (0.00013%); highest among the groups gnomAD compares: Non-Finnish European, 0.00017%; no homozygotes.

Submission:

Ambry Genetics
Classification: Uncertain significance for Inborn genetic diseases. Last evaluated: 2025-09-05. Review status: criteria provided, single submitter. Criteria: Ambry Variant Classification Scheme 2023. Collection method: clinical testing. Allele origin: germline.
Comment: The c.1745C>A (p.S582Y) alteration is located in exon 17 (coding exon 17) of the PLCB1 gene. This alteration results from a C to A substitution at nucleotide position 1745, causing the serine (S) at amino acid position 582 to be replaced by a tyrosine (Y). This variant was not reported in population-based cohorts in the Genome Aggregation Database (gnomAD). This amino acid position is not well conserved in available vertebrate species. This alteration is predicted to be tolerated by in silico analysis. Based on insufficient or conflicting evidence, the clinical significance of this alteration remains unclear.

NM_015192.4(PLCB1):c.1745C>A (p.Ser582Tyr)

Gene: PLCB1 (phospholipase C beta 1; plus strand). Cytogenetic location: 20p12.3.
Variant type: single nucleotide variant.
Coding change: c.1745C>A on transcript NM_015192.4 (MANE Select); coding-DNA position 1745, C replaced by A.
Protein change: p.Ser582Tyr; replaces serine 582 with tyrosine.
Molecular consequence: missense variant.
Genome position (GRCh38, 1-based): chr20:8,727,375, C>A. VCF-style: chr20-8727375-C-A. GRCh37 (hg19) VCF-style: chr20-8708022-C-A.
Other names: c.1745C>A, p.Ser582Tyr (NM_182734.3); short protein forms S582Y.
Identifiers: ClinVar variation 4138584 (VCV004138584.1).